The following is an entry in ClinVar:

NM_015168.2(ZC3H4):c.1833A>C (p.Pro611=)

Gene: ZC3H4 (zinc finger CCCH-type containing 4; minus strand). Cytogenetic location: 19q13.32.
Variant type: single nucleotide variant.
Coding change: c.1833A>C on transcript NM_015168.2 (MANE Select); coding-DNA position 1833, A replaced by C.
Protein change: p.Pro611=; no amino-acid change (proline 611 retained).
Molecular consequence: synonymous variant.
Genome position (GRCh38, 1-based): chr19:47,072,091, T>G on the plus strand (A>C on the coding strand, the complement: ZC3H4 is on the minus strand). VCF-style: chr19-47072091-T-G. GRCh37 (hg19) VCF-style: chr19-47575348-T-G.
Identifiers: ClinVar variation 3055576 (VCV003055576.2), dbSNP rs2514414775, ClinGen allele CA507980878.
Genomic context (GRCh38, chr19:47,072,091, plus strand): 5'-GTCAGGATGCATTGGACCGCCCATTGGCCCTGGGGGTCCCATGTTGGGCCCAGGGCCCAT[T>G]GGCCCTGGGGGTCCACCGGGTCCAGGGAACCTAGAAGAGGGAAAAGGTGCCTGTGACGGA-3'
Protein context (NP_055983.1, residues 601-621): RFPGPGGPPG[Pro611=]MGPGPNMGPP

ClinVar aggregate classification (germline): Likely benign (0 of 4 stars; one submission).

Conditions:
ZC3H4-related disorder. Also called: ZC3H4-related condition.

gnomAD v4.1: 2 of 1,557,458 alleles (0.00013%); highest among the groups gnomAD compares: Non-Finnish European, 0.000087%; no homozygotes.

Submission:

PreventionGenetics, part of Exact Sciences
Classification: Likely benign for ZC3H4-related condition. Last evaluated: 2019-12-16. Review status: no assertion criteria provided. Collection method: clinical testing. Allele origin: germline.
Comment: This variant is classified as likely benign based on ACMG/AMP sequence variant interpretation guidelines (Richards et al. 2015 PMID: 25741868, with internal and published modifications).